The following is an entry in ClinVar:

ClinVar aggregate classification (germline): Conflicting classifications of pathogenicity. Review status: criteria provided, conflicting classifications (1 of 4 stars). 4 submissions from 4 submitters: Uncertain significance (2); Benign (1); Likely benign (1). Last evaluated 2026-02-04.

Conditions:
Inborn genetic diseases. Identifiers: MedGen C0950123, MeSH D030342.
LRP2-related disorder. Also called: LRP2-related condition.

Allele frequency attached by ClinVar (database versions not stated): ExAC 0.00012; gnomAD exomes 0.00012 and 0.00016; gnomAD 0.00013 and 0.00014; 1000 Genomes Project 0.00020; 1000 Genomes Project 30x 0.00047.
gnomAD v4.1: 199 of 1,613,040 alleles (0.012%); highest among the groups gnomAD compares: Admixed American, 0.028%; no homozygotes.

Submissions (4):

Labcorp Genetics (formerly Invitae), Labcorp
Classification: Likely benign. Last evaluated: 2026-02-04. Review status: criteria provided, single submitter. Criteria: Invitae Variant Classification Sherloc (09022015). Collection method: clinical testing. Allele origin: germline.

PreventionGenetics, part of Exact Sciences
Classification: Uncertain significance for LRP2-related condition. Last evaluated: 2025-02-12. Review status: criteria provided, single submitter. Criteria: ACMG Guidelines, 2015. Collection method: clinical testing. Allele origin: germline.
Comment: The LRP2 c.5842G>A variant is predicted to result in the amino acid substitution p.Val1948Met. To our knowledge, this variant has not been reported in the literature. This variant is reported in 0.11% of alleles in individuals of Ashkenazi Jewish descent in gnomAD. Although we suspect that this variant may be benign, at this time, the clinical significance of this variant is uncertain due to the absence of conclusive functional and genetic evidence.

Blueprint Genetics
Classification: Benign. Last evaluated: 2023-09-18. Review status: criteria provided, single submitter. Criteria: ACMG Guidelines, 2015. Collection method: clinical testing. Allele origin: germline.

Ambry Genetics
Classification: Uncertain significance for Inborn genetic diseases. Last evaluated: 2022-08-17. Review status: criteria provided, single submitter. Criteria: Ambry Variant Classification Scheme 2023. Collection method: clinical testing. Allele origin: germline.

NM_004525.3(LRP2):c.5842G>A (p.Val1948Met)

Gene: LRP2 (LDL receptor related protein 2; minus strand). Cytogenetic location: 2q31.1.
Variant type: single nucleotide variant.
Coding change: c.5842G>A on transcript NM_004525.3 (MANE Select); coding-DNA position 5842, G replaced by A.
Protein change: p.Val1948Met; replaces valine 1948 with methionine.
Molecular consequence: missense variant.
Genome position (GRCh38, 1-based): chr2:169,213,855, C>T on the plus strand (G>A on the coding strand, the complement: LRP2 is on the minus strand). VCF-style: chr2-169213855-C-T. GRCh37 (hg19) VCF-style: chr2-170070365-C-T.
Other names: c.5842G>A (NM_004525.2); short protein forms V1948M.
Identifiers: ClinVar variation 1588821 (VCV001588821.11), dbSNP rs41268689, ClinGen allele CA1954415.